The following is an entry in ClinVar:

ClinVar aggregate classification (germline): Uncertain significance (1 of 4 stars; one submission).

Conditions:
Hereditary sensory and autonomic neuropathy type 6. Also called: Neuropathy, hereditary sensory and autonomic, type VI; HSAN VI. Identifiers: Orphanet 314381, MedGen C3539003, MONDO:0013839, OMIM 614653.
Epidermolysis bullosa simplex 3, localized or generalized intermediate, with BP230 deficiency (EBS3). Also called: Epidermolysis bullosa simplex due to BP230 deficiency; Epidermolysis bullosa simplex, autosomal recessive 2. Identifiers: Orphanet 412181, MedGen C3809470, MONDO:0014180, OMIM 615425.

Allele frequency attached by ClinVar (database versions not stated): gnomAD exomes below 0.00001; ExAC 0.00001; gnomAD 0.00001; TOPMed 0.00001.
gnomAD v4.1: 4 of 1,613,898 alleles (0.00025%); highest among the groups gnomAD compares: Admixed American, 0.0017%; no homozygotes.

Submission:

Labcorp Genetics (formerly Invitae), Labcorp
Classification: Uncertain significance for Epidermolysis bullosa simplex 3, localized or generalized intermediate, with BP230 deficiency; Hereditary sensory and autonomic neuropathy type 6. Last evaluated: 2022-01-29. Review status: criteria provided, single submitter. Criteria: Invitae Variant Classification Sherloc (09022015). Collection method: clinical testing. Allele origin: germline.
Comment: Experimental studies and prediction algorithms are not available or were not evaluated, and the functional significance of this variant is currently unknown. In summary, the available evidence is currently insufficient to determine the role of this variant in disease. Therefore, it has been classified as a Variant of Uncertain Significance. This variant has not been reported in the literature in individuals affected with DST-related conditions. The DST gene has multiple clinically relevant transcripts. This variant occurs in alternate transcript NM_015548.4, and corresponds to NM_001723.5:c.*156408A>T in the primary transcript. This sequence change replaces threonine, which is neutral and polar, with serine, which is neutral and polar, at codon 5138 of the DST protein (p.Thr5138Ser). This variant is present in population databases (rs769636857, gnomAD 0.0009%).

NM_001374736.1(DST):c.23353A>T (p.Thr7785Ser)

Gene: DST (dystonin; minus strand). Cytogenetic location: 6p12.1.
Variant type: single nucleotide variant.
Coding change: c.23353A>T on transcript NM_001374736.1 (MANE Select); coding-DNA position 23353, A replaced by T.
Protein change: p.Thr7785Ser; replaces threonine 7785 with serine.
Molecular consequence: missense variant.
Genome position (GRCh38, 1-based): chr6:56,459,109, T>A on the plus strand (A>T on the coding strand, the complement: DST is on the minus strand). VCF-style: chr6-56459109-T-A. GRCh37 (hg19) VCF-style: chr6-56323907-T-A.
Other names: c.16924A>T, p.Thr5642Ser (NM_001144769.5); c.16510A>T, p.Thr5504Ser (NM_001144770.2); c.23281A>T, p.Thr7761Ser (NM_001374722.1); c.22282A>T, p.Thr7428Ser (NM_001374729.1); c.16024A>T, p.Thr5342Ser (NM_001374730.1); c.23308A>T, p.Thr7770Ser (NM_001374734.1); c.16372A>T, p.Thr5458Ser (NM_001386100.1); c.15412A>T, p.Thr5138Ser (NM_015548.5); and 1 more; short protein forms T5458S, T7770S, T5138S, T5642S, T7785S, T5464S, T5504S, T5342S.
Identifiers: ClinVar variation 1985497 (VCV001985497.4), dbSNP rs769636857, ClinGen allele CA3865986.